The following is an entry in ClinVar:

NM_007289.4(MME):c.2222T>C (p.Met741Thr)

Gene: MME (membrane metalloendopeptidase; plus strand). Cytogenetic location: 3q25.2.
Variant type: single nucleotide variant.
Coding change: c.2222T>C on transcript NM_007289.4 (MANE Select); coding-DNA position 2222, T replaced by C.
Protein change: p.Met741Thr; replaces methionine 741 with threonine.
Molecular consequence: missense variant.
Genome position (GRCh38, 1-based): chr3:155,180,428, T>C. VCF-style: chr3-155180428-T-C. GRCh37 (hg19) VCF-style: chr3-154898217-T-C.
Other names: c.2222T>C, p.Met741Thr (NM_000902.5, NM_001354642.2, NM_001354643.1 and 2 more transcripts); short protein forms M741T.
Identifiers: ClinVar variation 1311005 (VCV001311005.2), dbSNP rs199855961, ClinGen allele CA86316968.

ClinVar aggregate classification (germline): Uncertain significance (1 of 4 stars; one submission).

Allele frequency attached by ClinVar (database versions not stated): TOPMed 0.00002.
gnomAD v4.1: 25 of 1,613,434 alleles (0.0015%); highest among the groups gnomAD compares: Non-Finnish European, 0.0019%; no homozygotes.

Submission:

GeneDx
Classification: Uncertain significance. Last evaluated: 2019-12-03. Review status: criteria provided, single submitter. Criteria: GeneDx Variant Classification Process June 2021. Collection method: clinical testing. Allele origin: germline. Affected: yes.
Comment: Not observed at a significant frequency in large population cohorts (Lek et al., 2016); In silico analysis, which includes protein predictors and evolutionary conservation, supports a deleterious effect; Has not been previously published as pathogenic or benign to our knowledge